The following is an entry in ClinVar:

NM_000186.4(CFH):c.163G>A (p.Gly55Arg)

Gene: CFH (complement factor H; plus strand). Cytogenetic location: 1q31.3.
Variant type: single nucleotide variant.
Coding change: c.163G>A on transcript NM_000186.4 (MANE Select); coding-DNA position 163, G replaced by A.
Protein change: p.Gly55Arg; replaces glycine 55 with arginine.
Molecular consequence: missense variant.
Genome position (GRCh38, 1-based): chr1:196,673,082, G>A. VCF-style: chr1-196673082-G-A. GRCh37 (hg19) VCF-style: chr1-196642212-G-A.
Other names: p.Gly55Arg; c.163G>A, p.Gly55Arg (NM_001014975.3); short protein forms G55R.
Identifiers: ClinVar variation 2682681 (VCV002682681.1), dbSNP rs1667337715, ClinGen allele CA343995984.

ClinVar aggregate classification (germline): Uncertain significance (1 of 4 stars; one submission).

Allele frequency attached by ClinVar (database versions not stated): gnomAD 0.00001.
gnomAD v4.1: 1 of 1,613,802 alleles (0.000062%); highest among the groups gnomAD compares: South Asian, 0.0011%; no homozygotes.

Submission:

Mayo Clinic Laboratories, Mayo Clinic
Classification: Uncertain significance. Last evaluated: 2023-03-14. Review status: criteria provided, single submitter. Criteria: ACMG Guidelines, 2015. Collection method: clinical testing. Allele origin: germline. Observed: 1 variant allele.
Comment: PP3, PM1, PM2_supporting

Literature cited by the submitters: PubMed 27905547.